The following is an entry in ClinVar:

ClinVar aggregate classification (germline): Uncertain significance (1 of 4 stars; one submission).

Conditions:
Dyskeratosis congenita. Identifiers: Orphanet 1775, MedGen C0265965, MONDO:0015780.

Submission:

Labcorp Genetics (formerly Invitae), Labcorp
Classification: Uncertain significance for Dyskeratosis congenita. Last evaluated: 2024-02-17. Review status: criteria provided, single submitter. Criteria: Invitae Variant Classification Sherloc (09022015). Collection method: clinical testing. Allele origin: germline.
Comment: This sequence change replaces cysteine, which is neutral and slightly polar, with serine, which is neutral and polar, at codon 359 of the TINF2 protein (p.Cys359Ser). This variant is present in population databases (no rsID available, gnomAD 0.0009%). This variant has not been reported in the literature in individuals affected with TINF2-related conditions. ClinVar contains an entry for this variant (Variation ID: 1043844). An algorithm developed to predict the effect of missense changes on protein structure and function (PolyPhen-2) suggests that this variant is likely to be tolerated. In summary, the available evidence is currently insufficient to determine the role of this variant in disease. Therefore, it has been classified as a Variant of Uncertain Significance.

NM_001099274.3(TINF2):c.1076G>C (p.Cys359Ser)

Gene: TINF2 (TERF1 interacting nuclear factor 2; minus strand). Cytogenetic location: 14q12.
Variant type: single nucleotide variant.
Coding change: c.1076G>C on transcript NM_001099274.3 (MANE Select); coding-DNA position 1076, G replaced by C.
Protein change: p.Cys359Ser; replaces cysteine 359 with serine.
Molecular consequence: missense variant. On other transcripts: 3 prime UTR variant (1).
Genome position (GRCh38, 1-based): chr14:24,240,316, C>G on the plus strand (G>C on the coding strand, the complement: TINF2 is on the minus strand). VCF-style: chr14-24240316-C-G. GRCh37 (hg19) VCF-style: chr14-24709522-C-G.
Other names: c.971G>C, p.Cys324Ser (NM_001363668.2); c.*99G>C (NM_012461.3); short protein forms C359S, C324S.
Identifiers: ClinVar variation 1043844 (VCV001043844.6), dbSNP rs368350757, ClinGen allele CA389222950.